The following is an entry in ClinVar:

NM_000352.6(ABCC8):c.1924-6C>T

Gene: ABCC8 (ATP binding cassette subfamily C member 8; minus strand). Cytogenetic location: 11p15.1.
Variant type: single nucleotide variant.
Coding change: c.1924-6C>T on transcript NM_000352.6 (MANE Select); 6 bases into the intron before coding-DNA position 1924, C replaced by T.
Molecular consequence: intron variant. On other transcripts: missense variant (1).
Genome position (GRCh38, 1-based): chr11:17,428,411, G>A on the plus strand (C>T on the coding strand, the complement: ABCC8 is on the minus strand). VCF-style: chr11-17428411-G-A. GRCh37 (hg19) VCF-style: chr11-17449958-G-A.
Other names: c.1984C>T, p.Pro662Ser (NM_001351295.2); c.1921-6C>T (NM_001351297.2, NM_001351296.2); c.1924-6C>T (NM_001287174.3); short protein forms P662S.
Identifiers: ClinVar variation 4687801 (VCV004687801.1).

ClinVar aggregate classification (germline): Uncertain significance (1 of 4 stars; one submission).

gnomAD v4.1: 55 of 1,612,130 alleles (0.0034%); highest among the groups gnomAD compares: Non-Finnish European, 0.0047%; no homozygotes.

Submission:

Women's Health and Genetics/Laboratory Corporation of America, LabCorp
Classification: Uncertain significance. Last evaluated: 2025-10-23. Review status: criteria provided, single submitter. Criteria: LabCorp Variant Classification Summary - May 2015. Collection method: clinical testing. Allele origin: germline.
Comment: Variant summary: ABCC8 c.1924-6C>T alters a nucleotide located at a position not widely known to affect splicing. Several computational tools predict a significant impact on normal splicing: Two predict the variant weakens a 3' acceptor site. One predicts the variant creates a 3' acceptor site. One predicts the variant no significant impact on splicing. However, these predictions have yet to be confirmed by functional studies. The variant allele was found at a frequency of 1.2e-05 in 250106 control chromosomes. The available data on variant occurrences in the general population are insufficient to allow any conclusion about variant significance. To our knowledge, no occurrence of c.1924-6C>T in individuals affected with ABCC8-related conditions and no experimental evidence demonstrating its impact on protein function have been reported. No submitters have cited clinical-significance assessments for this variant to ClinVar. Based on the evidence outlined above, the variant was classified as uncertain significance.